The following is an entry in ClinVar:

ClinVar aggregate classification (germline): Uncertain significance (1 of 4 stars; one submission).

Conditions:
NRP1-related disorder. Also called: NRP1-related condition.

gnomAD v4.1: 14 of 1,614,050 alleles (0.00087%); highest among the groups gnomAD compares: Non-Finnish European, 0.0011%; no homozygotes.

Submission:

PreventionGenetics, part of Exact Sciences
Classification: Uncertain significance for NRP1-related condition. Last evaluated: 2024-12-04. Review status: criteria provided, single submitter. Criteria: ACMG Guidelines, 2015. Collection method: clinical testing. Allele origin: germline.
Comment: The NRP1 c.1696C>A variant is predicted to result in the amino acid substitution p.Pro566Thr. To our knowledge, this variant has not been reported in the literature. This variant is reported in 0.00088% of alleles in individuals of European (Non-Finnish) descent in gnomAD. At this time, the clinical significance of this variant is uncertain due to the absence of conclusive functional and genetic evidence.

NM_003873.7(NRP1):c.1696C>A (p.Pro566Thr)

Gene: NRP1 (neuropilin 1; minus strand). Cytogenetic location: 10p11.22.
Variant type: single nucleotide variant.
Coding change: c.1696C>A on transcript NM_003873.7 (MANE Select); coding-DNA position 1696, C replaced by A.
Protein change: p.Pro566Thr; replaces proline 566 with threonine.
Molecular consequence: missense variant. On other transcripts: non-coding transcript variant (1).
Genome position (GRCh38, 1-based): chr10:33,207,635, G>T on the plus strand (C>A on the coding strand, the complement: NRP1 is on the minus strand). VCF-style: chr10-33207635-G-T. GRCh37 (hg19) VCF-style: chr10-33496563-G-T.
Other names: c.1696C>A, p.Pro566Thr (NM_001024628.3, NM_001024629.3, NM_001244972.2 and 2 more transcripts); short protein forms P566T.
Identifiers: ClinVar variation 4981787 (VCV004981787.1).
Genomic context (GRCh38, chr10:33,207,635, plus strand): 5'-CCACTTCACAGCCCAGCAGCTCCATTCTGAGCCCCAGTCCGCCATGAGTGGCTCTCTCGG[G>T]GTAGATCCTGATGAATCGCGTGGAGAGAGCTGGAAAAGTCCGCAGCTCAGGTGTATCATA-3'
Protein context (NP_003864.5, residues 556-576): ALSTRFIRIY[Pro566Thr]ERATHGGLGL